The following is an entry in ClinVar:

ClinVar aggregate classification (germline): Uncertain significance. Review status: criteria provided, single submitter (1 of 4 stars). 2 submissions from 2 submitters: Uncertain significance (1). 1 of the submissions does not count toward it. Last evaluated 2016-08-29.

Conditions:
Pyruvate dehydrogenase E3 deficiency (DLDD). Also called: Dihydrolipoamide Dehydrogenase (E3) Deficiency; MAPLE SYRUP URINE DISEASE, TYPE III; DLD DEFICIENCY; E3 DEFICIENCY; Lipoamide dehydrogenase deficiency, lactic acidosis due to; Dihydrolipoamide Dehydrogenase Deficiency. Identifiers: Orphanet 2394, Orphanet 765, MedGen C5574660, MONDO:0009529, OMIM 246900.

Allele frequency attached by ClinVar (database versions not stated): ExAC 0.00001; gnomAD 0.00001; gnomAD exomes 0.00001 and 0.00002; TOPMed 0.00001; ESP Exome Variant Server 0.00008.

Submissions (2):

GeneDx
Classification: Uncertain significance. Last evaluated: 2016-08-29. Review status: criteria provided, single submitter. Criteria: GeneDx Variant Classification (06012015). Collection method: clinical testing. Allele origin: germline. Affected: yes.
Comment: A variant of uncertain significance has been identified in the DLD gene. The I70T variant has not been published as a pathogenic variant, nor has it been reported as a benign variant to our knowledge. The I70T variant is a non-conservative amino acid substitution, which is likely to impact secondary protein structure as these residues differ in polarity, charge, size and/or other properties. This substitution occurs at a position where amino acids with similar properties to Isoleucine are tolerated across species. In silico analysis predicts this variant is probably damaging to the protein structure/function. Therefore, based on the currently available information, it is unclear whether this variant is a pathogenic variant or a rare benign variant.

Natera, Inc.
Classification: Uncertain significance for Maple syrup urine disease type 3. Last evaluated: 2019-10-28. Review status: no assertion criteria provided. Collection method: clinical testing. Allele origin: germline. Not counted in ClinVar's aggregate classification.

NM_000108.5(DLD):c.209T>C (p.Ile70Thr)

Gene: DLD (dihydrolipoamide dehydrogenase; plus strand). Cytogenetic location: 7q31.1.
Variant type: single nucleotide variant.
Coding change: c.209T>C on transcript NM_000108.5 (MANE Select); coding-DNA position 209, T replaced by C.
Protein change: p.Ile70Thr; replaces isoleucine 70 with threonine.
Molecular consequence: missense variant. On other transcripts: intron variant (2).
Genome position (GRCh38, 1-based): chr7:107,902,335, T>C. VCF-style: chr7-107902335-T-C. GRCh37 (hg19) VCF-style: chr7-107542780-T-C.
Other names: c.209T>C, p.Ile70Thr (NM_001289752.1); c.198+518T>C (NM_001289751.1); c.-30-1143T>C (NM_001289750.1); short protein forms I70T.
Identifiers: ClinVar variation 422088 (VCV000422088.3), dbSNP rs373761188, ClinGen allele CA4434393.